The following is an entry in ClinVar:

NM_001257180.2(SLC20A2):c.1292A>G (p.Asp431Gly)

Gene: SLC20A2 (solute carrier family 20 member 2; minus strand). Cytogenetic location: 8p11.21.
Variant type: single nucleotide variant.
Coding change: c.1292A>G on transcript NM_001257180.2 (MANE Select); coding-DNA position 1292, A replaced by G.
Protein change: p.Asp431Gly; replaces aspartic acid 431 with glycine.
Molecular consequence: missense variant.
Genome position (GRCh38, 1-based): chr8:42,437,220, T>C on the plus strand (A>G on the coding strand, the complement: SLC20A2 is on the minus strand). VCF-style: chr8-42437220-T-C. GRCh37 (hg19) VCF-style: chr8-42294738-T-C.
Other names: c.1292A>G, p.Asp431Gly (NM_006749.5, NM_001257181.2); short protein forms D431G.
Identifiers: ClinVar variation 2837422 (VCV002837422.3), dbSNP rs2487181647, ClinGen allele CA371097003.

ClinVar aggregate classification (germline): Uncertain significance (1 of 4 stars; one submission).

Submission:

Labcorp Genetics (formerly Invitae), Labcorp
Classification: Uncertain significance. Last evaluated: 2023-02-14. Review status: criteria provided, single submitter. Criteria: Invitae Variant Classification Sherloc (09022015). Collection method: clinical testing. Allele origin: germline.
Comment: This sequence change replaces aspartic acid, which is acidic and polar, with glycine, which is neutral and non-polar, at codon 431 of the SLC20A2 protein (p.Asp431Gly). This variant is not present in population databases (gnomAD no frequency). This variant has not been reported in the literature in individuals affected with SLC20A2-related conditions. Advanced modeling of protein sequence and biophysical properties (such as structural, functional, and spatial information, amino acid conservation, physicochemical variation, residue mobility, and thermodynamic stability) performed at Invitae indicates that this missense variant is not expected to disrupt SLC20A2 protein function. In summary, the available evidence is currently insufficient to determine the role of this variant in disease. Therefore, it has been classified as a Variant of Uncertain Significance.